The following is an entry in ClinVar:

ClinVar aggregate classification (germline): Uncertain significance (1 of 4 stars; one submission).

Submission:

GeneDx
Classification: Uncertain significance. Last evaluated: 2025-05-22. Review status: criteria provided, single submitter. Criteria: GeneDx Variant Classification Process June 2021. Collection method: clinical testing. Allele origin: germline. Affected: yes.
Comment: Has not been previously published as pathogenic or benign to our knowledge; In-frame deletion of 1 amino acid(s) in a non-repeat region; Not observed at significant frequency in large population cohorts (gnomAD); In silico analysis suggests that this variant does not alter protein structure/function

NM_001100913.3(PACS2):c.34_36del (p.Ala12del)

Genes: BRF1 (BRF1 general transcription factor IIIB subunit; minus strand), PACS2 (phosphofurin acidic cluster sorting protein 2; plus strand). Cytogenetic location: 14q32.33.
Variant type: Deletion.
Coding change: c.34_36del on transcript NM_001100913.3 (MANE Select); coding-DNA positions 34 to 36, 3 bases deleted (GCG; older notation c.34_36delGCG).
Protein change: p.Ala12del; deletes alanine 12.
Molecular consequence: inframe deletion. On other transcripts: intron variant (4).
Genome position (GRCh38, 1-based): chr14:105,314,952-105,314,954, GCG deleted. VCF-style (leftmost placement, unchanged base first): chr14-105314951-CGCG-C. GRCh37 (hg19) VCF-style: chr14-105781288-CGCG-C.
Other names: c.34_36del, p.Ala12del (NM_015197.4); c.-162+368_-162+370del (NM_001440451.1, NM_001242787.2, NM_001242786.2); c.-83+13973_-83+13975del (NM_001243127.3); short protein forms A12del.
Identifiers: ClinVar variation 4531068 (VCV004531068.1).
Genomic context (GRCh38, chr14:105,314,951, plus strand): 5'-CCGCCGAGGGAGCGGCGGGGCCGGCGCCATGGCCGAGCGAGGCCGCCTCGGCCTCCCCGG[CGCG>C]CCCGGCGCGCTCAACACGCCCGTGCCCATGAACCTGTTCGCCACCTGGGAGGTGGACGGC-3'